The following is an entry in ClinVar:

NM_017841.4(SDHAF2):c.454A>G (p.Arg152Gly)

Gene: SDHAF2 (succinate dehydrogenase complex assembly factor 2; plus strand). Cytogenetic location: 11q12.2.
Variant type: single nucleotide variant.
Coding change: c.454A>G on transcript NM_017841.4 (MANE Select); coding-DNA position 454, A replaced by G.
Protein change: p.Arg152Gly; replaces arginine 152 with glycine.
Molecular consequence: missense variant.
Genome position (GRCh38, 1-based): chr11:61,446,024, A>G. VCF-style: chr11-61446024-A-G. GRCh37 (hg19) VCF-style: chr11-61213496-A-G.
Other names: short protein forms R152G.
Identifiers: ClinVar variation 1415598 (VCV001415598.15), dbSNP rs1056273933, ClinGen allele CA222882531.

ClinVar aggregate classification (germline): Uncertain significance. Review status: criteria provided, multiple submitters, no conflicts (2 of 4 stars). 6 submissions from 6 submitters: Uncertain significance (6). Last evaluated 2025-12-10.

Conditions:
Hereditary cancer-predisposing syndrome. Also called: Tumor predisposition; Hereditary Cancer Syndrome; Hereditary neoplastic syndrome; Neoplastic Syndromes, Hereditary. Identifiers: Orphanet 140162, MedGen C0027672, MeSH D009386, MONDO:0015356.
Pheochromocytoma/paraganglioma syndrome 2. Also called: SDHAF2-Related Hereditary Paraganglioma-Pheochromocytoma Syndrome; GLOMUS TUMORS, FAMILIAL, 2; Paragangliomas 2; SDHAF2-Related Hereditary Paraganglioma-Pheochromocytoma Syndrome (Paragangliomas 2). Identifiers: Orphanet 29072, MedGen C1866552, MONDO:0011121, OMIM 601650.
Hereditary pheochromocytoma and paraganglioma. Also called: Hereditary paragangliomas and pheochromocytomas; Hereditary Paraganglioma-Pheochromocytoma Syndromes; Hereditary pheochromocytoma-paraganglioma. Identifiers: Orphanet 29072, MedGen C4274332, MONDO:0017366.

Allele frequency attached by ClinVar (database versions not stated): gnomAD exomes below 0.00001; TOPMed below 0.00001; gnomAD 0.00001.

Submissions (6):

Labcorp Genetics (formerly Invitae), Labcorp
Classification: Uncertain significance for Hereditary pheochromocytoma and paraganglioma. Last evaluated: 2025-12-10. Review status: criteria provided, single submitter. Criteria: Invitae Variant Classification Sherloc (09022015). Collection method: clinical testing. Allele origin: germline.
Comment: This sequence change replaces arginine, which is basic and polar, with glycine, which is neutral and non-polar, at codon 152 of the SDHAF2 protein (p.Arg152Gly). This variant is present in population databases (no rsID available, gnomAD no frequency). This variant has not been reported in the literature in individuals affected with SDHAF2-related conditions. ClinVar contains an entry for this variant (Variation ID: 1415598). An algorithm developed to predict the effect of missense changes on protein structure and function (PolyPhen-2) suggests that this variant is likely to be disruptive. In summary, the available evidence is currently insufficient to determine the role of this variant in disease. Therefore, it has been classified as a Variant of Uncertain Significance.

Color Diagnostics, LLC DBA Color Health
Classification: Uncertain significance for Hereditary pheochromocytoma and paraganglioma. Last evaluated: 2025-06-30. Review status: criteria provided, single submitter. Criteria: ACMG Guidelines, 2015. Collection method: clinical testing. Allele origin: germline.
Comment: This missense variant replaces arginine with glycine at codon 152 of the SDHAF2 protein. Computational prediction is inconclusive regarding the impact of this variant on protein structure and function. To our knowledge, functional studies have not been reported for this variant. This variant has not been reported in individuals affected with SDHAF2-related disorders in the literature. This variant has been identified in 1/251482 chromosomes in the general population by the Genome Aggregation Database (gnomAD). The available evidence is insufficient to determine the role of this variant in disease conclusively. Therefore, this variant is classified as a Variant of Uncertain Significance.

Ambry Genetics
Classification: Uncertain significance for Hereditary cancer-predisposing syndrome. Last evaluated: 2024-12-22. Review status: criteria provided, single submitter. Criteria: Ambry Variant Classification Scheme 2023. Collection method: clinical testing. Allele origin: germline.
Comment: The p.R152G variant (also known as c.454A>G), located in coding exon 4 of the SDHAF2 gene, results from an A to G substitution at nucleotide position 454. The arginine at codon 152 is replaced by glycine, an amino acid with dissimilar properties. This amino acid position is conserved. In addition, this alteration is predicted to be deleterious by in silico analysis. Since supporting evidence is limited at this time, the clinical significance of this alteration remains unclear.

All of Us Research Program, National Institutes of Health
Classification: Uncertain significance for Hereditary pheochromocytoma and paraganglioma. Last evaluated: 2024-09-23. Review status: criteria provided, single submitter. Criteria: ACMG Guidelines, 2015. Collection method: clinical testing. Allele origin: germline. Inheritance: Autosomal dominant inheritance. Observed: 2 variant alleles, 2 heterozygotes.
Comment: This study involves interpretation of variants in research participants for the purpose of population health screening. Participant phenotype was not available at the time of variant classification. Additional details can be found in publication PMID: 35346344, PMCID: PMC8962531

GeneDx
Classification: Uncertain significance. Last evaluated: 2024-01-17. Review status: criteria provided, single submitter. Criteria: GeneDx Variant Classification Process June 2021. Collection method: clinical testing. Allele origin: germline. Affected: yes.
Comment: Not observed at significant frequency in large population cohorts (gnomAD); In silico analysis supports that this missense variant has a deleterious effect on protein structure/function; Has not been previously published as pathogenic or benign to our knowledge

Baylor Genetics
Classification: Uncertain significance for Pheochromocytoma/paraganglioma syndrome 2. Last evaluated: 2023-06-21. Review status: criteria provided, single submitter. Criteria: ACMG Guidelines, 2015. Collection method: clinical testing. Allele origin: unknown.